The following is an entry in ClinVar:

ClinVar aggregate classification (germline): Uncertain significance. Review status: criteria provided, multiple submitters, no conflicts (2 of 4 stars). 2 submissions from 2 submitters: Uncertain significance (2). Last evaluated 2024-12-26.

Allele frequency attached by ClinVar (database versions not stated): ExAC 0.00003.
gnomAD v4.1: 21 of 1,582,382 alleles (0.0013%); highest among the groups gnomAD compares: Admixed American, 0.0054%; no homozygotes.

Submissions (2):

Labcorp Genetics (formerly Invitae), Labcorp
Classification: Uncertain significance. Last evaluated: 2024-12-26. Review status: criteria provided, single submitter. Criteria: Invitae Variant Classification Sherloc (09022015). Collection method: clinical testing. Allele origin: germline.
Comment: This sequence change replaces glycine, which is neutral and non-polar, with serine, which is neutral and polar, at codon 198 of the FSCN2 protein (p.Gly198Ser). This variant is present in population databases (rs782002967, gnomAD 0.005%). This variant has not been reported in the literature in individuals affected with FSCN2-related conditions. ClinVar contains an entry for this variant (Variation ID: 1909590). An algorithm developed to predict the effect of missense changes on protein structure and function (PolyPhen-2) suggests that this variant is likely to be disruptive. In summary, the available evidence is currently insufficient to determine the role of this variant in disease. Therefore, it has been classified as a Variant of Uncertain Significance.

Ambry Genetics
Classification: Uncertain significance. Last evaluated: 2023-12-18. Review status: criteria provided, single submitter. Criteria: Ambry Variant Classification Scheme 2023. Collection method: clinical testing. Allele origin: germline.

NM_012418.4(FSCN2):c.592G>A (p.Gly198Ser)

Gene: FSCN2 (fascin actin-bundling protein 2, retinal; plus strand). Cytogenetic location: 17q25.3.
Variant type: single nucleotide variant.
Coding change: c.592G>A on transcript NM_012418.4 (MANE Select); coding-DNA position 592, G replaced by A.
Protein change: p.Gly198Ser; replaces glycine 198 with serine.
Molecular consequence: missense variant.
Genome position (GRCh38, 1-based): chr17:81,529,123, G>A. VCF-style: chr17-81529123-G-A. GRCh37 (hg19) VCF-style: chr17-79496149-G-A.
Other names: c.592G>A, p.Gly198Ser (NM_001077182.3); c.592G>A (NM_001077182.2); short protein forms G198S.
Identifiers: ClinVar variation 1909590 (VCV001909590.6), dbSNP rs782002967, ClinGen allele CA8836730.
Genomic context (GRCh38, chr17:81,529,123, plus strand): 5'-ATCTTCCGGAGCCGACGGTACTGCCTCAAGTCCTGTGACAGCCGCTACCTGCGCAGCGAC[G>A]GCCGTCTGGTCTGGGAGCCTGAGCCCCGTGCCTGCTACACGCTGGAGTTCAAGGCGGGCA-3'
Protein context (NP_036550.1, residues 188-208): SCDSRYLRSD[Gly198Ser]RLVWEPEPRA